The following is an entry in ClinVar:

NM_000540.3(RYR1):c.1861A>T (p.Thr621Ser)

Gene: RYR1 (ryanodine receptor 1; plus strand). Cytogenetic location: 19q13.2.
Variant type: single nucleotide variant.
Coding change: c.1861A>T on transcript NM_000540.3 (MANE Select); coding-DNA position 1861, A replaced by T.
Protein change: p.Thr621Ser; replaces threonine 621 with serine.
Molecular consequence: missense variant.
Genome position (GRCh38, 1-based): chr19:38,457,566, A>T. VCF-style: chr19-38457566-A-T. GRCh37 (hg19) VCF-style: chr19-38948206-A-T.
Other names: c.1861A>T, p.Thr621Ser (NM_001042723.2); short protein forms T621S.
Identifiers: ClinVar variation 3070685 (VCV003070685.1), dbSNP rs794728694, ClinGen allele CA405693978.

ClinVar aggregate classification (germline): Uncertain significance (1 of 4 stars; one submission).

Conditions:
Malignant hyperthermia, susceptibility to, 1 (MHS1). Also called: Anesthesia related hyperthermia; Malignant hyperpyrexia; Fulminating hyperpyrexia; Pharmacogenic myopathy; RYR1-Related Malignant Hyperthermia Susceptibility; Malignant hyperthermia suceptibility 1. Identifiers: Orphanet 423, MedGen C2930980, MONDO:0007783, OMIM 145600.

gnomAD v4.1: 1 of 1,614,136 alleles (0.000062%); highest among the groups gnomAD compares: Non-Finnish European, 0.000085%; no homozygotes.

Submission:

All of Us Research Program, National Institutes of Health
Classification: Uncertain significance for Malignant hyperthermia, susceptibility to, 1. Last evaluated: 2023-05-04. Review status: criteria provided, single submitter. Criteria: ACMG Guidelines, 2015. Collection method: clinical testing. Allele origin: germline. Inheritance: Autosomal dominant inheritance. Observed: 1 variant allele, 1 heterozygote.
Comment: This missense variant replaces threonine with serine at codon 621 of the RYR1 protein. Computational prediction is inconclusive regarding the impact of this variant on protein structure and function (internally defined REVEL score threshold 0.5 < inconclusive < 0.7, PMID: 27666373). To our knowledge, functional studies have not been reported for this variant. This variant has not been reported in individuals affected with RYR1-related disorders in the literature. This variant has not been identified in the general population by the Genome Aggregation Database (gnomAD). The available evidence is insufficient to determine the role of this variant in disease conclusively. Therefore, this variant is classified as a Variant of Uncertain Significance.

This study involves interpretation of variants in research participants for the purpose of population health screening. Participant phenotype was not available at the time of variant classification. Additional details can be found in publication PMID: 35346344, PMCID: PMC8962531